The following is an entry in ClinVar:

NM_018489.3(ASH1L):c.8564C>T (p.Ala2855Val)

Gene: ASH1L (ASH1 like histone lysine methyltransferase; minus strand). Cytogenetic location: 1q22.
Variant type: single nucleotide variant.
Coding change: c.8564C>T on transcript NM_018489.3 (MANE Select); coding-DNA position 8564, C replaced by T.
Protein change: p.Ala2855Val; replaces alanine 2855 with valine.
Molecular consequence: missense variant.
Genome position (GRCh38, 1-based): chr1:155,338,328, G>A on the plus strand (C>T on the coding strand, the complement: ASH1L is on the minus strand). VCF-style: chr1-155338328-G-A. GRCh37 (hg19) VCF-style: chr1-155308119-G-A.
Other names: c.8579C>T, p.Ala2860Val (NM_001366177.2); short protein forms A2855V, A2860V.
Identifiers: ClinVar variation 2500486 (VCV002500486.1), dbSNP rs2525598203, ClinGen allele CA342720116.

ClinVar aggregate classification (germline): Uncertain significance (1 of 4 stars; one submission).

Submission:

GeneDx
Classification: Uncertain significance. Last evaluated: 2022-10-26. Review status: criteria provided, single submitter. Criteria: GeneDx Variant Classification Process June 2021. Collection method: clinical testing. Allele origin: germline. Affected: yes.
Comment: Not observed at significant frequency in large population cohorts (gnomAD); In silico analysis supports that this missense variant does not alter protein structure/function; Has not been previously published as pathogenic or benign to our knowledge